The following is an entry in ClinVar:

NM_001065.4(TNFRSF1A):c.1160G>A (p.Arg387Gln)

Gene: TNFRSF1A (TNF receptor superfamily member 1A; minus strand). Cytogenetic location: 12p13.31.
Variant type: single nucleotide variant.
Coding change: c.1160G>A on transcript NM_001065.4 (MANE Select); coding-DNA position 1160, G replaced by A.
Protein change: p.Arg387Gln; replaces arginine 387 with glutamine.
Molecular consequence: missense variant. On other transcripts: non-coding transcript variant (1).
Genome position (GRCh38, 1-based): chr12:6,329,520, C>T on the plus strand (G>A on the coding strand, the complement: TNFRSF1A is on the minus strand). VCF-style: chr12-6329520-C-T. GRCh37 (hg19) VCF-style: chr12-6438686-C-T.
Other names: c.836G>A, p.Arg279Gln (NM_001346091.2); c.701G>A, p.Arg234Gln (NM_001346092.2); short protein forms R234Q, R279Q, R387Q.
Identifiers: ClinVar variation 2175380 (VCV002175380.5), dbSNP rs778863675, ClinGen allele CA232325744.

ClinVar aggregate classification (germline): Uncertain significance. Review status: criteria provided, multiple submitters, no conflicts (2 of 4 stars). 2 submissions from 2 submitters: Uncertain significance (2). Last evaluated 2025-05-19.

Conditions:
TNF receptor-associated periodic fever syndrome (TRAPS) (FPF). Also called: TNF receptor 1-associated periodic fever syndrome; TNF RECEPTOR-ASSOCIATED PERIODIC SYNDROME; TUMOR NECROSIS FACTOR RECEPTOR-ASSOCIATED PERIODIC SYNDROME; TNF Receptor-Associated Periodic Fever Syndrome; FAMILIAL HIBERNIAN FEVER; Autosomal Dominant Familial Periodic Fever. Identifiers: Orphanet 32960, MedGen C1275126, MONDO:0007727, OMIM 142680.

Allele frequency attached by ClinVar (database versions not stated): gnomAD 0.00001; gnomAD exomes 0.00001.
gnomAD v4.1: 12 of 1,594,840 alleles (0.00075%); highest among the groups gnomAD compares: Non-Finnish European, 0.001%; no homozygotes.

Submissions (2):

Labcorp Genetics (formerly Invitae), Labcorp
Classification: Uncertain significance for TNF receptor-associated periodic fever syndrome (TRAPS). Last evaluated: 2025-05-19. Review status: criteria provided, single submitter. Criteria: Invitae Variant Classification Sherloc (09022015). Collection method: clinical testing. Allele origin: germline.
Comment: This sequence change replaces arginine, which is basic and polar, with glutamine, which is neutral and polar, at codon 387 of the TNFRSF1A protein (p.Arg387Gln). This variant is not present in population databases (gnomAD no frequency). This variant has not been reported in the literature in individuals affected with TNFRSF1A-related conditions. ClinVar contains an entry for this variant (Variation ID: 2175380). Invitae Evidence Modeling of protein sequence and biophysical properties (such as structural, functional, and spatial information, amino acid conservation, physicochemical variation, residue mobility, and thermodynamic stability) has been performed for this missense variant. However, the output from this modeling did not meet the statistical confidence thresholds required to predict the impact of this variant on TNFRSF1A protein function. In summary, the available evidence is currently insufficient to determine the role of this variant in disease. Therefore, it has been classified as a Variant of Uncertain Significance.

Blueprint Genetics
Classification: Uncertain significance. Last evaluated: 2023-03-10. Review status: criteria provided, single submitter. Criteria: ACMG Guidelines, 2015. Collection method: clinical testing. Allele origin: germline.